The following is an entry in ClinVar:

NM_198173.3(GRHL3):c.892C>T (p.Arg298Cys)

Gene: GRHL3 (grainyhead like transcription factor 3; plus strand). Cytogenetic location: 1p36.11.
Variant type: single nucleotide variant.
Coding change: c.892C>T on transcript NM_198173.3 (MANE Select); coding-DNA position 892, C replaced by T.
Protein change: p.Arg298Cys; replaces arginine 298 with cysteine.
Molecular consequence: missense variant.
Genome position (GRCh38, 1-based): chr1:24,338,043, C>T. VCF-style: chr1-24338043-C-T. GRCh37 (hg19) VCF-style: chr1-24664533-C-T.
Other names: c.754C>T, p.Arg252Cys (NM_001195010.2); c.907C>T, p.Arg303Cys (NM_021180.4); c.892C>T, p.Arg298Cys (NM_198174.3); short protein forms R252C, R298C, R303C.
Identifiers: ClinVar variation 3342617 (VCV003342617.1).

ClinVar aggregate classification (germline): Uncertain significance (1 of 4 stars; one submission).

gnomAD v4.1: 19 of 1,613,046 alleles (0.0012%); highest among the groups gnomAD compares: Middle Eastern, 0.016%; no homozygotes.

Submission:

GeneDx
Classification: Uncertain significance. Last evaluated: 2024-03-27. Review status: criteria provided, single submitter. Criteria: GeneDx Variant Classification Process June 2021. Collection method: clinical testing. Allele origin: germline. Affected: yes.
Comment: Not observed at significant frequency in large population cohorts (gnomAD); In silico analysis supports that this missense variant has a deleterious effect on protein structure/function; This variant is associated with the following publications: (PMID: 34459660, 27018472)